The following is an entry in ClinVar:

ClinVar aggregate classification (germline): Uncertain significance (1 of 4 stars; one submission).

Allele frequency attached by ClinVar (database versions not stated): gnomAD exomes 0.00006; ExAC 0.00010; gnomAD 0.00001; TOPMed 0.00006.
gnomAD v4.1: 38 of 1,604,956 alleles (0.0024%); highest among the groups gnomAD compares: Admixed American, 0.062%; no homozygotes.

Submission:

Labcorp Genetics (formerly Invitae), Labcorp
Classification: Uncertain significance. Last evaluated: 2025-03-29. Review status: criteria provided, single submitter. Criteria: Invitae Variant Classification Sherloc (09022015). Collection method: clinical testing. Allele origin: germline.
Comment: This sequence change replaces proline, which is neutral and non-polar, with alanine, which is neutral and non-polar, at codon 732 of the KLB protein (p.Pro732Ala). This variant is present in population databases (rs746501741, gnomAD 0.1%), and has an allele count higher than expected for a pathogenic variant. This variant has not been reported in the literature in individuals affected with KLB-related conditions. ClinVar contains an entry for this variant (Variation ID: 2894374). Invitae Evidence Modeling of protein sequence and biophysical properties (such as structural, functional, and spatial information, amino acid conservation, physicochemical variation, residue mobility, and thermodynamic stability) indicates that this missense variant is not expected to disrupt KLB protein function with a negative predictive value of 80%. In summary, the available evidence is currently insufficient to determine the role of this variant in disease. Therefore, it has been classified as a Variant of Uncertain Significance.

NM_175737.4(KLB):c.2194C>G (p.Pro732Ala)

Gene: KLB (klotho beta; plus strand). Cytogenetic location: 4p14.
Variant type: single nucleotide variant.
Coding change: c.2194C>G on transcript NM_175737.4 (MANE Select); coding-DNA position 2194, C replaced by G.
Protein change: p.Pro732Ala; replaces proline 732 with alanine.
Molecular consequence: missense variant.
Genome position (GRCh38, 1-based): chr4:39,446,920, C>G. VCF-style: chr4-39446920-C-G. GRCh37 (hg19) VCF-style: chr4-39448540-C-G.
Other names: short protein forms P732A.
Identifiers: ClinVar variation 2894374 (VCV002894374.3), dbSNP rs746501741, ClinGen allele CA2893957.